The following is an entry in ClinVar:

NM_004655.4(AXIN2):c.1383C>G (p.Ser461Arg)

Gene: AXIN2 (axin 2; minus strand). Cytogenetic location: 17q24.1.
Variant type: single nucleotide variant.
Coding change: c.1383C>G on transcript NM_004655.4 (MANE Select); coding-DNA position 1383, C replaced by G.
Protein change: p.Ser461Arg; replaces serine 461 with arginine.
Molecular consequence: missense variant.
Genome position (GRCh38, 1-based): chr17:65,537,653, G>C on the plus strand (C>G on the coding strand, the complement: AXIN2 is on the minus strand). VCF-style: chr17-65537653-G-C. GRCh37 (hg19) VCF-style: chr17-63533771-G-C.
Other names: c.1383C>G, p.Ser461Arg (NM_001363813.1); short protein forms S461R.
Identifiers: ClinVar variation 946393 (VCV000946393.9), dbSNP rs9914661, ClinGen allele CA400677608.

ClinVar aggregate classification (germline): Uncertain significance (1 of 4 stars; one submission).

Conditions:
Oligodontia-cancer predisposition syndrome. Also called: TOOTH AGENESIS-COLORECTAL CANCER SYNDROME. Identifiers: Orphanet 300576, MedGen C1837750, MONDO:0012075, OMIM 608615. Disease mechanism: loss of function.

Submission:

Labcorp Genetics (formerly Invitae), Labcorp
Classification: Uncertain significance for Oligodontia-cancer predisposition syndrome. Last evaluated: 2019-06-04. Review status: criteria provided, single submitter. Criteria: Invitae Variant Classification Sherloc (09022015). Collection method: clinical testing. Allele origin: germline.
Comment: In summary, the available evidence is currently insufficient to determine the role of this variant in disease. Therefore, it has been classified as a Variant of Uncertain Significance. Algorithms developed to predict the effect of missense changes on protein structure and function (SIFT, PolyPhen-2, Align-GVGD) all suggest that this variant is likely to be disruptive, but these predictions have not been confirmed by published functional studies and their clinical significance is uncertain. This variant has not been reported in the literature in individuals with AXIN2-related conditions. This variant is not present in population databases (ExAC no frequency). This sequence change replaces serine with arginine at codon 461 of the AXIN2 protein (p.Ser461Arg). The serine residue is highly conserved and there is a moderate physicochemical difference between serine and arginine.